The following is an entry in ClinVar:

ClinVar aggregate classification (germline): Likely benign. Review status: criteria provided, single submitter (1 of 4 stars). 2 submissions from 2 submitters: Likely benign (1). 1 of the submissions does not count toward it. Last evaluated 2022-11-23.

Conditions:
TMEM70-related disorder. Also called: TMEM70-related condition.
Mitochondrial complex V (ATP synthase) deficiency, nuclear type 2. Also called: MITOCHONDRIAL COMPLEX V (ATP SYNTHASE) DEFICIENCY, TMEM70 TYPE; Nuclear-Encoded ATPase Deficiency, TMEM70-Related; ENCEPHALOCARDIOMYOPATHY, MITOCHONDRIAL, NEONATAL, DUE TO ATP SYNTHASE DEFICIENCY. Identifiers: Orphanet 1194, MedGen C3279699, MONDO:0013546, OMIM 614052.

Allele frequency attached by ClinVar (database versions not stated): gnomAD exomes 0.00001; ExAC 0.00003.
gnomAD v4.1: 13 of 1,614,062 alleles (0.00081%); highest among the groups gnomAD compares: Non-Finnish European, 0.001%; no homozygotes.

Submissions (2):

Labcorp Genetics (formerly Invitae), Labcorp
Classification: Likely benign for Mitochondrial complex V (ATP synthase) deficiency, nuclear type 2. Last evaluated: 2022-11-23. Review status: criteria provided, single submitter. Criteria: Invitae Variant Classification Sherloc (09022015). Collection method: clinical testing. Allele origin: germline.

PreventionGenetics, part of Exact Sciences
Classification: Likely benign for TMEM70-related condition. Last evaluated: 2020-02-24. Review status: no assertion criteria provided. Collection method: clinical testing. Allele origin: germline. Not counted in ClinVar's aggregate classification.
Comment: This variant is classified as likely benign based on ACMG/AMP sequence variant interpretation guidelines (Richards et al. 2015 PMID: 25741868, with internal and published modifications).

NM_017866.6(TMEM70):c.339T>C (p.Ser113=)

Gene: TMEM70 (transmembrane protein 70; plus strand). Cytogenetic location: 8q21.11.
Variant type: single nucleotide variant.
Coding change: c.339T>C on transcript NM_017866.6 (MANE Select); coding-DNA position 339, T replaced by C.
Protein change: p.Ser113=; no amino-acid change (serine 113 retained).
Molecular consequence: synonymous variant. On other transcripts: 3 prime UTR variant (1), non-coding transcript variant (1).
Genome position (GRCh38, 1-based): chr8:73,981,177, T>C. VCF-style: chr8-73981177-T-C. GRCh37 (hg19) VCF-style: chr8-74893412-T-C.
Other names: c.339T>C (NM_017866.5); c.*29T>C (NM_001040613.3).
Identifiers: ClinVar variation 2919516 (VCV002919516.5), dbSNP rs775701221, ClinGen allele CA4784036.